The following is an entry in ClinVar:

NM_000179.3(MSH6):c.3615A>G (p.Thr1205=)

Gene: MSH6 (mutS homolog 6; plus strand). Cytogenetic location: 2p16.3.
Variant type: single nucleotide variant.
Coding change: c.3615A>G on transcript NM_000179.3 (MANE Select); coding-DNA position 3615, A replaced by G.
Protein change: p.Thr1205=; no amino-acid change (threonine 1205 retained).
Molecular consequence: synonymous variant.
Genome position (GRCh38, 1-based): chr2:47,805,676, A>G. VCF-style: chr2-47805676-A-G. GRCh37 (hg19) VCF-style: chr2-48032815-A-G.
Other names: c.3225A>G, p.Thr1075= (NM_001281492.2); c.2709A>G, p.Thr903= (NM_001281493.2, NM_001281494.2).
Identifiers: ClinVar variation 233436 (VCV000233436.19), dbSNP rs876660407, ClinGen allele CA10578152.
Genomic context (GRCh38, chr2:47,805,676, plus strand): 5'-AGGTGAAAGTACATTTTTTGTTGAATTAAGTGAAACTGCCAGCATACTCATGCATGCAAC[A>G]GCACATTCTCTGGTGCTTGTGGATGAATTAGGTAAGACATTAAACTTCTCATTTGAAGAC-3'
Protein context (NP_000170.1, residues 1195-1215): SETASILMHA[Thr1205=]AHSLVLVDEL

ClinVar aggregate classification (germline): Benign/Likely benign. Review status: criteria provided, multiple submitters, no conflicts (2 of 4 stars). 5 submissions from 5 submitters: Benign (1); Likely benign (4). Last evaluated 2026-01-23.

Conditions:
Hereditary cancer-predisposing syndrome. Also called: Neoplastic Syndromes, Hereditary; Tumor predisposition; Hereditary Cancer Syndrome; Hereditary neoplastic syndrome. Identifiers: Orphanet 140162, MedGen C0027672, MeSH D009386, MONDO:0015356.
Hereditary nonpolyposis colorectal neoplasms. Identifiers: MedGen C0009405, MeSH D003123.
Lynch syndrome 5 (LYNCH5). Also called: Colorectal cancer, hereditary nonpolyposis, type 5; Hereditary non-polyposis colorectal cancer, type 5. Identifiers: Orphanet 144, MedGen C1833477, MONDO:0013710, OMIM 614350. Disease mechanism: loss of function.

Allele frequency attached by ClinVar (database versions not stated): TOPMed 0.00001.

Submissions (5):

Labcorp Genetics (formerly Invitae), Labcorp
Classification: Likely benign for Hereditary nonpolyposis colorectal neoplasms. Last evaluated: 2026-01-23. Review status: criteria provided, single submitter. Criteria: Invitae Variant Classification Sherloc (09022015). Collection method: clinical testing. Allele origin: germline.

Myriad Genetics, Inc.
Classification: Benign for Lynch syndrome 5. Last evaluated: 2025-01-07. Review status: criteria provided, single submitter. Criteria: Myriad Autosomal Dominant, Autosomal Recessive and X-Linked Classification Criteria (2023). Collection method: clinical testing. Allele origin: unknown.
Comment: This variant is considered benign. This variant is a silent/synonymous amino acid change and it is not expected to impact splicing.

Women's Health and Genetics/Laboratory Corporation of America, LabCorp
Classification: Likely benign. Last evaluated: 2021-02-05. Review status: criteria provided, single submitter. Criteria: LabCorp Variant Classification Summary - May 2015. Collection method: clinical testing. Allele origin: germline.

GeneDx
Classification: Likely benign. Last evaluated: 2018-03-30. Review status: criteria provided, single submitter. Criteria: GeneDx Variant Classification (06012015). Collection method: clinical testing. Allele origin: germline. Affected: yes.
Comment: This variant is considered likely benign or benign based on one or more of the following criteria: it is a conservative change, it occurs at a poorly conserved position in the protein, it is predicted to be benign by multiple in silico algorithms, and/or has population frequency not consistent with disease.

Ambry Genetics
Classification: Likely benign for Hereditary cancer-predisposing syndrome. Last evaluated: 2015-08-17. Review status: criteria provided, single submitter. Criteria: Ambry Variant Classification Scheme 2023. Collection method: clinical testing. Allele origin: germline.